The following is an entry in ClinVar:

NM_001200.4(BMP2):c.921C>T (p.Asp307=)

Gene: BMP2 (bone morphogenetic protein 2; plus strand). Cytogenetic location: 20p12.3.
Variant type: single nucleotide variant.
Coding change: c.921C>T on transcript NM_001200.4 (MANE Select); coding-DNA position 921, C replaced by T.
Protein change: p.Asp307=; no amino-acid change (aspartic acid 307 retained).
Molecular consequence: synonymous variant.
Genome position (GRCh38, 1-based): chr20:6,778,819, C>T. VCF-style: chr20-6778819-C-T. GRCh37 (hg19) VCF-style: chr20-6759466-C-T.
Identifiers: ClinVar variation 723063 (VCV000723063.13), dbSNP rs112449910, ClinGen allele CA9758768.

ClinVar aggregate classification (germline): Likely benign. Review status: criteria provided, multiple submitters, no conflicts (2 of 4 stars). 4 submissions from 4 submitters: Likely benign (3). 1 of the submissions does not count toward it. Last evaluated 2025-11-24.

Conditions:
BMP2-related disorder. Also called: BMP2-related condition.

Allele frequency attached by ClinVar (database versions not stated): ESP Exome Variant Server 0.00015; 1000 Genomes Project 0.00020; ExAC 0.00024; gnomAD 0.00029 and 0.00031; 1000 Genomes Project 30x 0.00031; gnomAD exomes 0.00032; TOPMed 0.00045.
gnomAD v4.1: 338 of 1,614,096 alleles (0.021%); highest among the groups gnomAD compares: Middle Eastern, 0.58%; no homozygotes.

Submissions (4):

Labcorp Genetics (formerly Invitae), Labcorp
Classification: Likely benign. Last evaluated: 2025-11-24. Review status: criteria provided, single submitter. Criteria: Invitae Variant Classification Sherloc (09022015). Collection method: clinical testing. Allele origin: germline.

Blueprint Genetics
Classification: Likely benign. Last evaluated: 2024-11-25. Review status: criteria provided, single submitter. Criteria: ACMG Guidelines, 2015. Collection method: clinical testing. Allele origin: germline.

Breakthrough Genomics
Classification: Likely benign. Review status: criteria provided, single submitter. Criteria: ACMG Guidelines, 2015. Collection method: not provided. Allele origin: germline. Inheritance: Autosomal recessive inheritance. Affected: yes.

PreventionGenetics, part of Exact Sciences
Classification: Likely benign for BMP2-related condition. Last evaluated: 2024-04-02. Review status: no assertion criteria provided. Collection method: clinical testing. Allele origin: germline. Not counted in ClinVar's aggregate classification.
Comment: This variant is classified as likely benign based on ACMG/AMP sequence variant interpretation guidelines (Richards et al. 2015 PMID: 25741868, with internal and published modifications).